The following is an entry in ClinVar:

ClinVar aggregate classification (germline): Uncertain significance (1 of 4 stars; one submission).

Conditions:
Long QT syndrome (LQTS). Identifiers: MedGen C0023976, MeSH D008133, MONDO:0002442. Disease mechanism: loss of function. Inheritance: Various modes of inheritance.

Submission:

Labcorp Genetics (formerly Invitae), Labcorp
Classification: Uncertain significance for Long QT syndrome. Last evaluated: 2022-07-03. Review status: criteria provided, single submitter. Criteria: Invitae Variant Classification Sherloc (09022015). Collection method: clinical testing. Allele origin: germline.
Comment: This sequence change replaces asparagine, which is neutral and polar, with threonine, which is neutral and polar, at codon 1772 of the CACNA1C protein (p.Asn1772Thr). This variant is not present in population databases (gnomAD no frequency). This variant has not been reported in the literature in individuals affected with CACNA1C-related conditions. Algorithms developed to predict the effect of missense changes on protein structure and function are either unavailable or do not agree on the potential impact of this missense change (SIFT: "Tolerated"; PolyPhen-2: "Probably Damaging"; Align-GVGD: "Class C0"). In summary, the available evidence is currently insufficient to determine the role of this variant in disease. Therefore, it has been classified as a Variant of Uncertain Significance.

NM_000719.7(CACNA1C):c.5315A>C (p.Asn1772Thr)

Genes: CACNA1C (calcium voltage-gated channel subunit alpha1 C; plus strand), CACNA1C-AS1 (CACNA1C antisense RNA 1; minus strand). Cytogenetic location: 12p13.33.
Variant type: single nucleotide variant.
Coding change: c.5315A>C on transcript NM_000719.7 (MANE Select); coding-DNA position 5315, A replaced by C.
Protein change: p.Asn1772Thr; replaces asparagine 1772 with threonine.
Molecular consequence: missense variant.
Genome position (GRCh38, 1-based): chr12:2,679,667, A>C. VCF-style: chr12-2679667-A-C. GRCh37 (hg19) VCF-style: chr12-2788833-A-C.
Other names: c.5459A>C, p.Asn1820Thr (NM_001129827.2, NM_199460.4); c.5438A>C, p.Asn1813Thr (NM_001129829.2); c.5315A>C, p.Asn1772Thr (NM_001129830.3, NM_001129840.2, NM_001129841.2 and 4 more transcripts); c.5399A>C, p.Asn1800Thr (NM_001129831.2); c.5375A>C, p.Asn1792Thr (NM_001129832.2); c.5372A>C, p.Asn1791Thr (NM_001129833.2, NM_001129834.2, NM_001129835.2); c.5366A>C, p.Asn1789Thr (NM_001129836.2); c.5339A>C, p.Asn1780Thr (NM_001129837.2, NM_001129838.2); and 3 more; short protein forms N1780T, N1772T, N1800T, N1761T, N1789T, N1792T, N1820T, N1769T.
Identifiers: ClinVar variation 2078637 (VCV002078637.1), dbSNP rs2532541451, ClinGen allele CA383378954.
Genomic context (GRCh38, chr12:2,679,667, plus strand): 5'-CCTTCACCCCGAGCAGCTACTCGTCCACCGGCTCCAACGCCAACATCAACAACGCCAACA[A>C]CACCGCCCTGGGTCGCCTCCCTCGCCCCGCCGGCTACCCCAGCACGGTCAGCACTGTGGA-3'
Protein context (NP_000710.5, residues 1762-1782): GSNANINNAN[Asn1772Thr]TALGRLPRPA